The following is an entry in ClinVar:

NM_001853.4(COL9A3):c.1161G>A (p.Ala387=)

Gene: COL9A3 (collagen type IX alpha 3 chain; plus strand). Cytogenetic location: 20q13.33.
Variant type: single nucleotide variant.
Coding change: c.1161G>A on transcript NM_001853.4 (MANE Select); coding-DNA position 1161, G replaced by A.
Protein change: p.Ala387=; no amino-acid change (alanine 387 retained).
Molecular consequence: synonymous variant.
Genome position (GRCh38, 1-based): chr20:62,829,819, G>A. VCF-style: chr20-62829819-G-A. GRCh37 (hg19) VCF-style: chr20-61461171-G-A.
Other names: c.1161G>A (NM_001853.3).
Identifiers: ClinVar variation 2162409 (VCV002162409.20), dbSNP rs770709536, ClinGen allele CA9949785.
Genomic context (GRCh38, chr20:62,829,819, plus strand): 5'-CCTGTAGGGAGATGCTGGCATGCCTGGGGAGCGCGGTGAGGCTGGCCACCGGGGCTCAGC[G>A]GTGAGTGCAGGGACATGGCCCGGGGTCGGGGGTTAGCACTGAGCCATTGGCACATGGCCC-3'
Protein context (NP_001844.3, residues 377-397): ERGEAGHRGS[Ala387=]GALGPQGPPG

ClinVar aggregate classification (germline): Conflicting classifications of pathogenicity. Review status: criteria provided, conflicting classifications (1 of 4 stars). 4 submissions from 4 submitters: Uncertain significance (2); Likely benign (2). Last evaluated 2026-02-02.

Conditions:
COL9A3-related disorder. Also called: COL9A3-related condition.

Allele frequency attached by ClinVar (database versions not stated): ExAC 0.00003; gnomAD 0.00005; gnomAD exomes 0.00005; TOPMed 0.00005.
gnomAD v4.1: 88 of 1,566,992 alleles (0.0056%); highest among the groups gnomAD compares: Non-Finnish European, 0.006%; no homozygotes.

Submissions (4):

Labcorp Genetics (formerly Invitae), Labcorp
Classification: Uncertain significance. Last evaluated: 2026-02-02. Review status: criteria provided, single submitter. Criteria: Invitae Variant Classification Sherloc (09022015). Collection method: clinical testing. Allele origin: germline.
Comment: This sequence change affects codon 387 of the COL9A3 mRNA. It is a 'silent' change, meaning that it does not change the encoded amino acid sequence of the COL9A3 protein. This variant also falls at the last nucleotide of exon 22, which is part of the consensus splice site for this exon. The frequency data for this variant in the population databases is considered unreliable, as metrics indicate poor data quality at this position in the gnomAD database. This variant has not been reported in the literature in individuals affected with COL9A3-related conditions. ClinVar contains an entry for this variant (Variation ID: 2162409). Variants that disrupt the consensus splice site are a relatively common cause of aberrant splicing (PMID: 17576681, 9536098). Algorithms developed to predict the effect of sequence changes on RNA splicing suggest that this variant is not likely to affect RNA splicing. In summary, the available evidence is currently insufficient to determine the role of this variant in disease. Therefore, it has been classified as a Variant of Uncertain Significance.

PreventionGenetics, part of Exact Sciences
Classification: Likely benign for COL9A3-related condition. Last evaluated: 2024-11-15. Review status: criteria provided, single submitter. Criteria: ACMG Guidelines, 2015. Collection method: clinical testing. Allele origin: germline.
Comment: This variant is classified as likely benign based on ACMG/AMP sequence variant interpretation guidelines (Richards et al. 2015 PMID: 25741868, with internal and published modifications).

CeGaT Center for Human Genetics Tuebingen
Classification: Likely benign. Last evaluated: 2024-11-01. Review status: criteria provided, single submitter. Criteria: CeGaT Center For Human Genetics Tuebingen Variant Classification Criteria Version 2. Collection method: clinical testing. Allele origin: germline. Affected: yes. Observed: 1 variant allele.
Comment: COL9A3: BP4, BP7

Blueprint Genetics
Classification: Uncertain significance. Last evaluated: 2023-03-10. Review status: criteria provided, single submitter. Criteria: ACMG Guidelines, 2015. Collection method: clinical testing. Allele origin: germline.

Literature cited by the submitters: PubMed 17576681 (cited by Labcorp Genetics (formerly Invitae), Labcorp); PubMed 9536098 (cited by Labcorp Genetics (formerly Invitae), Labcorp).